The following is an entry in ClinVar:

ClinVar aggregate classification (germline): Likely pathogenic (1 of 4 stars; one submission).

Conditions:
Ellis-van Creveld syndrome (EVC). Also called: Chondroectodermal dysplasia; EVC-Related Ellis-van Creveld Syndrome; EVC2-Related Ellis-van Creveld Syndrome; MESOECTODERMAL DYSPLASIA. Identifiers: Orphanet 289, MedGen C0013903, MONDO:0009162, OMIM 225500.

Submission:

Natera, Inc.
Classification: Likely pathogenic for Ellis-van Creveld syndrome. Last evaluated: 2025-10-13. Review status: criteria provided, single submitter. Criteria: Natera Variant Classification Schema (03/2026). Collection method: clinical testing. Allele origin: germline.
Comment: The c.1563+1G>C variant in EVC is a canonical splice donor site variant predicted to affect pre-mRNA splicing, which may result in an abnormal transcript and altered protein product. This variant may result in a truncated or dysfunctional protein product. This variant is rare in the general population with a frequency below the threshold expected for the associated phenotype(s). This variant has been observed in one or more individuals affected with the associated recessive disease, as either homozygous or compound heterozygous with a second variant (PMID: 19810119). This variant has been identified in one or more affected individual with a phenotype highly consistent with the associated gene (PMID: 19810119). Given the available evidence, this variant is classified as Likely Pathogenic.

Literature cited by the submitters: PubMed 19810119.

NM_153717.3(EVC):c.1563+1G>C

Gene: EVC (EvC ciliary complex subunit 1; plus strand). Cytogenetic location: 4p16.2.
Variant type: single nucleotide variant.
Coding change: c.1563+1G>C on transcript NM_153717.3 (MANE Select); the canonical splice donor site of the intron after coding-DNA position 1563, G replaced by C.
Molecular consequence: splice donor variant.
Genome position (GRCh38, 1-based): chr4:5,756,363, G>C. VCF-style: chr4-5756363-G-C. GRCh37 (hg19) VCF-style: chr4-5758090-G-C.
Other names: c.1563+1G>C (NM_001306090.2, NM_001306092.2).
Identifiers: ClinVar variation 4816922 (VCV004816922.1).